The following is an entry in ClinVar:

ClinVar aggregate classification (germline): Likely benign (1 of 4 stars; one submission).

Submission:

GeneDx
Classification: Likely benign. Last evaluated: 2016-07-29. Review status: criteria provided, single submitter. Criteria: GeneDx Variant Classification (06012015). Collection method: clinical testing. Allele origin: germline. Affected: yes.
Comment: This variant is considered likely benign or benign based on one or more of the following criteria: it is a conservative change, it occurs at a poorly conserved position in the protein, it is predicted to be benign by multiple in silico algorithms, and/or has population frequency not consistent with disease.

NM_000465.4(BARD1):c.2274T>C (p.Ala758=)

Gene: BARD1 (BRCA1 associated RING domain 1; minus strand). Cytogenetic location: 2q35.
Variant type: single nucleotide variant.
Coding change: c.2274T>C on transcript NM_000465.4 (MANE Select); coding-DNA position 2274, T replaced by C.
Protein change: p.Ala758=; no amino-acid change (alanine 758 retained).
Molecular consequence: synonymous variant. On other transcripts: non-coding transcript variant (3).
Genome position (GRCh38, 1-based): chr2:214,728,736, A>G on the plus strand (T>C on the coding strand, the complement: BARD1 is on the minus strand). VCF-style: chr2-214728736-A-G. GRCh37 (hg19) VCF-style: chr2-215593460-A-G.
Other names: c.2217T>C, p.Ala739= (NM_001282543.2); c.921T>C, p.Ala307= (NM_001282545.2); c.864T>C, p.Ala288= (NM_001282548.2); c.735T>C, p.Ala245= (NM_001282549.2).
Identifiers: ClinVar variation 388296 (VCV000388296.1), dbSNP rs1057523059, ClinGen allele CA16604094.
Genomic context (GRCh38, chr2:214,728,736, plus strand): 5'-TCAGCTGTCAAGAGGAAGCAACTCAAAGGACATCACACAGTCTATAAACCAGCTCGAAGG[A>G]GCCTTCCAGACTTTGCCCTGCCGAACCCTCTCTGGGTGATAATTACACAAATCTTCATAG-3'
Protein context (NP_000456.2, residues 748-768): ERVRQGKVWK[Ala758=]PSSWFIDCVM